The following is an entry in ClinVar:

NM_000038.6(APC):c.2264G>C (p.Arg755Thr)

Gene: APC (APC regulator of Wnt signaling pathway; plus strand). Cytogenetic location: 5q22.2.
Variant type: single nucleotide variant.
Coding change: c.2264G>C on transcript NM_000038.6 (MANE Select); coding-DNA position 2264, G replaced by C.
Protein change: p.Arg755Thr; replaces arginine 755 with threonine.
Molecular consequence: missense variant. On other transcripts: non-coding transcript variant (2).
Genome position (GRCh38, 1-based): chr5:112,837,858, G>C. VCF-style: chr5-112837858-G-C. GRCh37 (hg19) VCF-style: chr5-112173555-G-C.
Other names: c.2264G>C, p.Arg755Thr (NM_001127510.3, NM_001354895.2, NM_001407450.1); c.2210G>C, p.Arg737Thr (NM_001127511.3); c.2318G>C, p.Arg773Thr (NM_001354896.2, NM_001407447.1, NM_001407448.1 and 1 more transcripts); c.2294G>C, p.Arg765Thr (NM_001354897.2); c.2189G>C, p.Arg730Thr (NM_001354898.2); c.2180G>C, p.Arg727Thr (NM_001354899.2); c.2141G>C, p.Arg714Thr (NM_001354900.2); c.2087G>C, p.Arg696Thr (NM_001354901.2, NM_001407453.1); and 11 more; short protein forms R371T, R664T, R730T, R737T, R783T, R472T, R654T, R696T.
Identifiers: ClinVar variation 3305146 (VCV003305146.1).
Genomic context (GRCh38, chr5:112,837,858, plus strand): 5'-CGAAGTACAAGGATGCCAATATTATGTCTCCTGGCTCAAGCTTGCCATCTCTTCATGTTA[G>C]GAAACAAAAAGCCCTAGAAGCAGAATTAGATGCTCAGCACTTATCAGAAACTTTTGACAA-3'
Protein context (NP_000029.2, residues 745-765): PGSSLPSLHV[Arg755Thr]KQKALEAELD

ClinVar aggregate classification (germline): Uncertain significance (1 of 4 stars; one submission).

Conditions:
Hereditary cancer-predisposing syndrome. Also called: Tumor predisposition; Hereditary Cancer Syndrome; Hereditary neoplastic syndrome; Neoplastic Syndromes, Hereditary. Identifiers: Orphanet 140162, MedGen C0027672, MeSH D009386, MONDO:0015356.

Submission:

Ambry Genetics
Classification: Uncertain significance for Hereditary cancer-predisposing syndrome. Last evaluated: 2024-05-04. Review status: criteria provided, single submitter. Criteria: Ambry Variant Classification Scheme 2023. Collection method: clinical testing. Allele origin: germline.
Comment: The p.R755T variant (also known as c.2264G>C), located in coding exon 15 of the APC gene, results from a G to C substitution at nucleotide position 2264. The arginine at codon 755 is replaced by threonine, an amino acid with similar properties. This amino acid position is conserved. In addition, in silico predictors for this gene do not accurately predict pathogenicity. Based on the available evidence, the clinical significance of this variant remains unclear.